The following is an entry in ClinVar:

ClinVar aggregate classification (germline): Likely benign (0 of 4 stars; one submission).

Conditions:
CLASP1-related disorder. Also called: CLASP1-related condition.

Allele frequency attached by ClinVar (database versions not stated): ESP Exome Variant Server 0.00008; ExAC 0.00031; 1000 Genomes Project 0.00040; 1000 Genomes Project 30x 0.00047.
gnomAD v4.1: 145 of 1,614,038 alleles (0.009%); highest among the groups gnomAD compares: Admixed American, 0.13%; 1 homozygote.

Submission:

PreventionGenetics, part of Exact Sciences
Classification: Likely benign for CLASP1-related condition. Last evaluated: 2023-03-28. Review status: no assertion criteria provided. Collection method: clinical testing. Allele origin: germline.
Comment: This variant is classified as likely benign based on ACMG/AMP sequence variant interpretation guidelines (Richards et al. 2015 PMID: 25741868, with internal and published modifications).

NM_001395891.1(CLASP1):c.3860C>T (p.Pro1287Leu)

Gene: CLASP1 (cytoplasmic linker associated protein 1; minus strand). Cytogenetic location: 2q14.2.
Variant type: single nucleotide variant.
Coding change: c.3860C>T on transcript NM_001395891.1 (MANE Select); coding-DNA position 3860, C replaced by T.
Protein change: p.Pro1287Leu; replaces proline 1287 with leucine.
Molecular consequence: missense variant.
Genome position (GRCh38, 1-based): chr2:121,367,677, G>A on the plus strand (C>T on the coding strand, the complement: CLASP1 is on the minus strand). VCF-style: chr2-121367677-G-A. GRCh37 (hg19) VCF-style: chr2-122125253-G-A.
Other names: c.3620C>T, p.Pro1207Leu (NM_001142273.2); c.3596C>T, p.Pro1199Leu (NM_001142274.2); c.3614C>T, p.Pro1205Leu (NM_001207051.2, NM_001378005.1); c.3701C>T, p.Pro1234Leu (NM_001378003.1); c.3593C>T, p.Pro1198Leu (NM_001378004.1); c.3797C>T, p.Pro1266Leu (NM_015282.3); short protein forms P1198L, P1199L, P1205L, P1207L, P1234L, P1266L, P1287L.
Identifiers: ClinVar variation 3033199 (VCV003033199.2), dbSNP rs376007044, ClinGen allele CA1853503.